The following is an entry in ClinVar:

ClinVar aggregate classification (germline): Likely pathogenic (1 of 4 stars; one submission).

Conditions:
Autosomal recessive limb-girdle muscular dystrophy type 2J (LGMDR10). Also called: Limb-girdle muscular dystrophy, type 2J; MUSCULAR DYSTROPHY, LIMB-GIRDLE, AUTOSOMAL RECESSIVE 10. Identifiers: Orphanet 140922, MedGen C1837342, MONDO:0012127, OMIM 608807.
Dilated cardiomyopathy 1G (CMD1G). Identifiers: Orphanet 154, MedGen C1858763, MONDO:0011400, OMIM 604145.

Submission:

Labcorp Genetics (formerly Invitae), Labcorp
Classification: Likely pathogenic for Dilated cardiomyopathy 1G; Autosomal recessive limb-girdle muscular dystrophy type 2J. Last evaluated: 2025-10-03. Review status: criteria provided, single submitter. Criteria: Invitae Variant Classification Sherloc (09022015). Collection method: clinical testing. Allele origin: germline.
Comment: This sequence change creates a premature translational stop signal (p.Leu34053Cysfs*2) in the TTN gene. While this is not anticipated to result in nonsense mediated decay, it is expected to create a truncated TTN protein. This variant is not present in population databases (gnomAD no frequency). This variant has not been reported in the literature in individuals affected with TTN-related conditions. ClinVar contains an entry for this variant (Variation ID: 3751206). This variant is located in the M band of TTN (PMID: 25589632). Truncating variants in this region have been previously reported in individuals affected with autosomal dominant or autosomal recessive myopathy and muscular dystrophy (PMID: 18948003, 23975875, 24395473). Truncating variants in this region have also been identified in individuals affected with autosomal dominant dilated cardiomyopathy and/or cardio-related conditions (PMID: 27869827, 32964742, internal data). In summary, the currently available evidence indicates that the variant is pathogenic, but additional data are needed to prove that conclusively. Therefore, this variant has been classified as Likely Pathogenic.

Literature cited by the submitters: PubMed 25589632; PubMed 18948003; PubMed 23975875; PubMed 24395473; PubMed 27869827; PubMed 32964742.

NM_001267550.2(TTN):c.102156del (p.Leu34053fs)

Genes: TTN-AS1 (TTN antisense RNA 1; plus strand), TTN (titin; minus strand). Cytogenetic location: 2q31.2.
Variant type: Deletion.
Coding change: c.102156del on transcript NM_001267550.2 (MANE Select); coding-DNA position 102156, one base deleted (G; older notation c.102156delG).
Protein change: p.Leu34053fs; shifts the reading frame from leucine 34053.
Molecular consequence: frameshift variant.
Genome position (GRCh38, 1-based): chr2:178,534,459, C deleted on the plus strand (G on the coding strand, the reverse complement: TTN is on the minus strand); the first of 2 consecutive C bases (chr2:178,534,459-178,534,460); deleting either gives the same sequence. VCF-style (leftmost placement, unchanged base first): chr2-178534458-AC-A. GRCh37 (hg19) VCF-style: chr2-179399185-AC-A.
Other names: c.97233del, p.Leu32412fs (NM_001256850.1); c.74961del, p.Leu24988fs (NM_003319.4); c.94452del, p.Leu31485fs (NM_133378.4); c.75336del, p.Leu25113fs (NM_133432.3); c.75537del, p.Leu25180fs (NM_133437.4); short protein forms L24988fs, L25113fs, L25180fs, L31485fs, L32412fs, L34053fs.
Identifiers: ClinVar variation 3751206 (VCV003751206.2).
Genomic context (GRCh38, chr2:178,534,458, plus strand): 5'-ACCATGGGTGCTGGAGAGCCTCCGATGCTGTCATGCGAGATTTCCTCTCTTTCACTAACA[AC>A]CGGTCAACAAAATCCATGGCTTCAATGCTAATCTCTTTGAATGCTTCCTCATCGAAAGTA-3'